The following is an entry in ClinVar:

NM_000257.4(MYH7):c.542G>A (p.Gly181Glu)

Gene: MYH7 (myosin heavy chain 7; minus strand). Cytogenetic location: 14q11.2.
Variant type: single nucleotide variant.
Coding change: c.542G>A on transcript NM_000257.4 (MANE Select); coding-DNA position 542, G replaced by A.
Protein change: p.Gly181Glu; replaces glycine 181 with glutamic acid.
Molecular consequence: missense variant.
Genome position (GRCh38, 1-based): chr14:23,431,858, C>T on the plus strand (G>A on the coding strand, the complement: MYH7 is on the minus strand). VCF-style: chr14-23431858-C-T. GRCh37 (hg19) VCF-style: chr14-23901067-C-T.
Other names: short protein forms G181E.
Identifiers: ClinVar variation 1407519 (VCV001407519.7), dbSNP rs2138682480, ClinGen allele CA389052582.

ClinVar aggregate classification (germline): Uncertain significance (1 of 4 stars; one submission).

Conditions:
Hypertrophic cardiomyopathy. Also called: HYPERTROPHIC MYOCARDIOPATHY. Identifiers: Orphanet 217569, MedGen C0007194, MeSH D002312, MONDO:0005045, HP:0001639.

Submission:

Labcorp Genetics (formerly Invitae), Labcorp
Classification: Uncertain significance for Hypertrophic cardiomyopathy. Last evaluated: 2025-03-05. Review status: criteria provided, single submitter. Criteria: Invitae Variant Classification Sherloc (09022015). Collection method: clinical testing. Allele origin: germline.
Comment: This sequence change replaces glycine, which is neutral and non-polar, with glutamic acid, which is acidic and polar, at codon 181 of the MYH7 protein (p.Gly181Glu). This variant is not present in population databases (gnomAD no frequency). This variant has not been reported in the literature in individuals affected with MYH7-related conditions. ClinVar contains an entry for this variant (Variation ID: 1407519). Invitae Evidence Modeling of protein sequence and biophysical properties (such as structural, functional, and spatial information, amino acid conservation, physicochemical variation, residue mobility, and thermodynamic stability) indicates that this missense variant is expected to disrupt MYH7 protein function with a positive predictive value of 95%. In summary, the available evidence is currently insufficient to determine the role of this variant in disease. Therefore, it has been classified as a Variant of Uncertain Significance.